The following is an entry in ClinVar:

NM_001029896.2(WDR45):c.680_689del (p.Lys227fs)

Gene: WDR45 (WD repeat domain 45; minus strand). Cytogenetic location: Xp11.23.
Variant type: Deletion.
Coding change: c.680_689del on transcript NM_001029896.2 (MANE Select); coding-DNA positions 680 to 689, 10 bases deleted (AACTGGTGGA; older notation c.680_689delAACTGGTGGA).
Protein change: p.Lys227fs; shifts the reading frame from lysine 227.
Molecular consequence: frameshift variant.
Genome position (GRCh38, 1-based): chrX:49,075,581-49,075,590, TCCACCAGTT deleted on the plus strand (AACTGGTGGA on the coding strand, the reverse complement: WDR45 is on the minus strand); deleting any 10 consecutive bases within chrX:49,075,581-49,075,592 gives the same sequence; the c. name uses the placement nearest the transcript's 3' end. VCF-style (leftmost placement, unchanged base first): chrX-49075580-CTCCACCAGTT-C. GRCh37 (hg19) VCF-style: chrX-48933239-CTCCACCAGTT-C.
Other names: c.683_692del, p.Lys228fs (NM_007075.4); c.683_692delAACTGGTGGA (NM_007075.3); short protein forms K228fs, K227fs.
Identifiers: ClinVar variation 524156 (VCV000524156.2), dbSNP rs1557084036, ClinGen allele CA658799734.

ClinVar aggregate classification (germline): Pathogenic (1 of 4 stars; one submission).

Submission:

GeneDx
Classification: Pathogenic. Last evaluated: 2018-05-01. Review status: criteria provided, single submitter. Criteria: GeneDx Variant Classification (06012015). Collection method: clinical testing. Allele origin: germline. Affected: yes.
Comment: The c.683_692del10 variant in the WDR45 gene has not been reported previously as a pathogenic variant nor as a benign variant, to our knowledge. The c.683_692del10 variant causes a frameshift starting with codon Lysine 228, changes this amino acid to a Serine residue, and creates a premature Stop codon at position 57 of the new reading frame, denoted p.Lys228SerfsX57. This variant is predicted to cause loss of normal protein function either through protein truncation or nonsense-mediated mRNA decay. The c.683_692del10 variant is not observed in large population cohorts (Lek et al., 2016). We interpret c.683_692del10 as a pathogenic variant.